The following is an entry in ClinVar:

NM_001846.4(COL4A2):c.3136G>A (p.Gly1046Ser)

Gene: COL4A2 (collagen type IV alpha 2 chain; plus strand). Cytogenetic location: 13q34.
Variant type: single nucleotide variant.
Coding change: c.3136G>A on transcript NM_001846.4 (MANE Select); coding-DNA position 3136, G replaced by A.
Protein change: p.Gly1046Ser; replaces glycine 1046 with serine.
Molecular consequence: missense variant.
Genome position (GRCh38, 1-based): chr13:110,485,765, G>A. VCF-style: chr13-110485765-G-A. GRCh37 (hg19) VCF-style: chr13-111138112-G-A.
Other names: c.3136G>A (NM_001846.2); short protein forms G1046S.
Identifiers: ClinVar variation 1933602 (VCV001933602.6), dbSNP rs1407372947, ClinGen allele CA388729382.

ClinVar aggregate classification (germline): Uncertain significance. Review status: criteria provided, multiple submitters, no conflicts (2 of 4 stars). 2 submissions from 2 submitters: Uncertain significance (2). Last evaluated 2025-04-01.

Conditions:
Inborn genetic diseases. Identifiers: MedGen C0950123, MeSH D030342.

Allele frequency attached by ClinVar (database versions not stated): gnomAD exomes below 0.00001.
gnomAD v4.1: 5 of 1,613,934 alleles (0.00031%); highest among the groups gnomAD compares: Admixed American, 0.0017%; no homozygotes.

Submissions (2):

Ambry Genetics
Classification: Uncertain significance for Inborn genetic diseases. Last evaluated: 2025-04-01. Review status: criteria provided, single submitter. Criteria: Ambry Variant Classification Scheme 2023. Collection method: clinical testing. Allele origin: germline.

Labcorp Genetics (formerly Invitae), Labcorp
Classification: Uncertain significance. Last evaluated: 2025-01-20. Review status: criteria provided, single submitter. Criteria: Invitae Variant Classification Sherloc (09022015). Collection method: clinical testing. Allele origin: germline.
Comment: This sequence change replaces glycine, which is neutral and non-polar, with serine, which is neutral and polar, at codon 1046 of the COL4A2 protein (p.Gly1046Ser). This variant is present in population databases (no rsID available, gnomAD 0.003%). This variant has not been reported in the literature in individuals affected with COL4A2-related conditions. ClinVar contains an entry for this variant (Variation ID: 1933602). Invitae Evidence Modeling of protein sequence and biophysical properties (such as structural, functional, and spatial information, amino acid conservation, physicochemical variation, residue mobility, and thermodynamic stability) has been performed for this missense variant. However, the output from this modeling did not meet the statistical confidence thresholds required to predict the impact of this variant on COL4A2 protein function. In summary, the available evidence is currently insufficient to determine the role of this variant in disease. Therefore, it has been classified as a Variant of Uncertain Significance.